The following is an entry in ClinVar:

NM_001371596.2(MFSD8):c.87A>G (p.Glu29=)

Gene: MFSD8 (major facilitator superfamily domain containing 8; minus strand). Cytogenetic location: 4q28.2.
Variant type: single nucleotide variant.
Coding change: c.87A>G on transcript NM_001371596.2 (MANE Select); coding-DNA position 87, A replaced by G.
Protein change: p.Glu29=; no amino-acid change (glutamic acid 29 retained).
Molecular consequence: synonymous variant. On other transcripts: 5 prime UTR variant (3).
Genome position (GRCh38, 1-based): chr4:127,957,568, T>C on the plus strand (A>G on the coding strand, the complement: MFSD8 is on the minus strand). VCF-style: chr4-127957568-T-C. GRCh37 (hg19) VCF-style: chr4-128878723-T-C.
Other names: c.87A>G, p.Glu29= (NM_001363520.3, NM_001363521.3, NM_001371591.2 and 5 more transcripts); c.-49A>G (NM_001371590.2, NM_001371595.1, NM_001410765.1).
Identifiers: ClinVar variation 2021811 (VCV002021811.4), dbSNP rs2546241074, ClinGen allele CA441206106.

ClinVar aggregate classification (germline): Uncertain significance (1 of 4 stars; one submission).

Conditions:
Neuronal ceroid lipofuscinosis 7 (CLN7). Also called: MFSD8-Related Neuronal Ceroid-Lipofuscinosis. Identifiers: Orphanet 168491, Orphanet 228366, MedGen C1838571, MONDO:0012588, OMIM 610951.

Submission:

Labcorp Genetics (formerly Invitae), Labcorp
Classification: Uncertain significance for Neuronal ceroid lipofuscinosis 7. Last evaluated: 2023-10-13. Review status: criteria provided, single submitter. Criteria: Invitae Variant Classification Sherloc (09022015). Collection method: clinical testing. Allele origin: germline.
Comment: This sequence change affects codon 29 of the MFSD8 mRNA. It is a 'silent' change, meaning that it does not change the encoded amino acid sequence of the MFSD8 protein. This variant is not present in population databases (gnomAD no frequency). This variant has not been reported in the literature in individuals affected with MFSD8-related conditions. ClinVar contains an entry for this variant (Variation ID: 2021811). Algorithms developed to predict the effect of sequence changes on RNA splicing suggest that this variant may disrupt the consensus splice site. In summary, the available evidence is currently insufficient to determine the role of this variant in disease. Therefore, it has been classified as a Variant of Uncertain Significance.